The following is an entry in ClinVar:

NM_139321.3(ATRN):c.2152A>C (p.Asn718His)

Gene: ATRN (attractin; plus strand). Cytogenetic location: 20p13.
Variant type: single nucleotide variant.
Coding change: c.2152A>C on transcript NM_139321.3 (MANE Select); coding-DNA position 2152, A replaced by C.
Protein change: p.Asn718His; replaces asparagine 718 with histidine.
Molecular consequence: missense variant.
Genome position (GRCh38, 1-based): chr20:3,575,886, A>C. VCF-style: chr20-3575886-A-C. GRCh37 (hg19) VCF-style: chr20-3556533-A-C.
Other names: c.1804A>C, p.Asn602His (NM_001207047.3); c.2152A>C, p.Asn718His (NM_001323332.2, NM_139322.4); short protein forms N602H, N718H.
Identifiers: ClinVar variation 1713886 (VCV001713886.5), dbSNP rs2086202219, ClinGen allele CA408094850.

ClinVar aggregate classification (germline): Uncertain significance (1 of 4 stars; one submission).

Submission:

Labcorp Genetics (formerly Invitae), Labcorp
Classification: Uncertain significance. Last evaluated: 2022-07-26. Review status: criteria provided, single submitter. Criteria: Invitae Variant Classification Sherloc (09022015). Collection method: clinical testing. Allele origin: germline.
Comment: In summary, the available evidence is currently insufficient to determine the role of this variant in disease. Therefore, it has been classified as a Variant of Uncertain Significance. Algorithms developed to predict the effect of missense changes on protein structure and function (SIFT, PolyPhen-2, Align-GVGD) all suggest that this variant is likely to be tolerated. This variant has not been reported in the literature in individuals affected with ATRN-related conditions. This variant is not present in population databases (gnomAD no frequency). This sequence change replaces asparagine, which is neutral and polar, with histidine, which is basic and polar, at codon 718 of the ATRN protein (p.Asn718His).